The following is an entry in ClinVar:

ClinVar aggregate classification (germline): Uncertain significance (1 of 4 stars; one submission).

Conditions:
Charcot-Marie-Tooth disease type 2. Also called: Charcot-Marie-Tooth type 2. Identifiers: Orphanet 64746, MedGen C0270914, MONDO:0018993.

Submission:

Labcorp Genetics (formerly Invitae), Labcorp
Classification: Uncertain significance for Charcot-Marie-Tooth disease type 2. Last evaluated: 2023-03-10. Review status: criteria provided, single submitter. Criteria: Invitae Variant Classification Sherloc (09022015). Collection method: clinical testing. Allele origin: germline.
Comment: In summary, the available evidence is currently insufficient to determine the role of this variant in disease. Therefore, it has been classified as a Variant of Uncertain Significance. This sequence change replaces phenylalanine, which is neutral and non-polar, with serine, which is neutral and polar, at codon 17 of the AARS protein (p.Phe17Ser). This variant is not present in population databases (gnomAD no frequency). This variant has not been reported in the literature in individuals affected with AARS-related conditions. Advanced modeling of protein sequence and biophysical properties (such as structural, functional, and spatial information, amino acid conservation, physicochemical variation, residue mobility, and thermodynamic stability) has been performed at Invitae for this missense variant, however the output from this modeling did not meet the statistical confidence thresholds required to predict the impact of this variant on AARS protein function.

NM_001605.3(AARS1):c.50T>C (p.Phe17Ser)

Gene: AARS1 (alanyl-tRNA synthetase 1; minus strand). Cytogenetic location: 16q22.1.
Variant type: single nucleotide variant.
Coding change: c.50T>C on transcript NM_001605.3 (MANE Select); coding-DNA position 50, T replaced by C.
Protein change: p.Phe17Ser; replaces phenylalanine 17 with serine.
Molecular consequence: missense variant.
Genome position (GRCh38, 1-based): chr16:70,282,714, A>G on the plus strand (T>C on the coding strand, the complement: AARS1 is on the minus strand). VCF-style: chr16-70282714-A-G. GRCh37 (hg19) VCF-style: chr16-70316617-A-G.
Other names: short protein forms F17S.
Identifiers: ClinVar variation 2844802 (VCV002844802.3), dbSNP rs2507037678, ClinGen allele CA396570629.
Genomic context (GRCh38, chr16:70,282,714, plus strand): 5'-GGGTCATCCAATGGGATGGTGGCAGACGAGTGAACATACGTATGCTCGTTCCTCTTGAAG[A>G]AATCTATAAATCGCTGCCGGATTTCACTTGCTGTTAGAGTAGAGTCCATCTTGAAAGTCA-3'
Protein context (NP_001596.2, residues 7-27): ASEIRQRFID[Phe17Ser]FKRNEHTYVH